The following is an entry in ClinVar:

NM_001365536.1(SCN9A):c.5065A>G (p.Ile1689Val)

Genes: SCN1A-AS1 (SCN1A and SCN9A antisense RNA 1; plus strand), SCN9A (sodium voltage-gated channel alpha subunit 9; minus strand). Cytogenetic location: 2q24.3.
Variant type: single nucleotide variant.
Coding change: c.5065A>G on transcript NM_001365536.1 (MANE Select); coding-DNA position 5065, A replaced by G.
Protein change: p.Ile1689Val; replaces isoleucine 1689 with valine.
Molecular consequence: missense variant.
Genome position (GRCh38, 1-based): chr2:166,199,574, T>C on the plus strand (A>G on the coding strand, the complement: SCN9A is on the minus strand). VCF-style: chr2-166199574-T-C. GRCh37 (hg19) VCF-style: chr2-167056084-T-C.
Other names: c.5032A>G, p.Ile1678Val (NM_002977.4); short protein forms I1678V, I1689V.
Identifiers: ClinVar variation 2938195 (VCV002938195.3), dbSNP rs2468878087, ClinGen allele CA349054788.
Genomic context (GRCh38, chr2:166,199,574, plus strand): 5'-TAAGAATAGGTGCTAGCAATCCATCCCAGCCAGCAGAGGTTGTAATTTGGAACAGGCAAA[T>C]CATACTGTTGCCAAAGGTCTCAAAATTGAACATGTCATTAATTCCATCTTCCTTTTTAAC-3'
Protein context (NP_001352465.1, residues 1679-1699): FNFETFGNSM[Ile1689Val]CLFQITTSAG

ClinVar aggregate classification (germline): Uncertain significance (1 of 4 stars; one submission).

Conditions:
Neuropathy, hereditary sensory and autonomic, type 2A (HSAN2A). Also called: ACROOSTEOLYSIS, GIACCAI TYPE; ACROOSTEOLYSIS, NEUROGENIC; MORVAN DISEASE; NEUROPATHY, CONGENITAL SENSORY; NEUROPATHY, HEREDITARY SENSORY RADICULAR, AUTOSOMAL RECESSIVE; NEUROPATHY, HEREDITARY SENSORY, TYPE IIA. Identifiers: Orphanet 970, MedGen C2752089, MONDO:0024309, OMIM 201300.
Generalized epilepsy with febrile seizures plus, type 7 (GEFSP7). Also called: GEFS+, TYPE 7. Identifiers: Orphanet 36387, MedGen C2751778, MONDO:0013470, OMIM 613863.

Submission:

Labcorp Genetics (formerly Invitae), Labcorp
Classification: Uncertain significance for Neuropathy, hereditary sensory and autonomic, type 2A; Generalized epilepsy with febrile seizures plus, type 7. Last evaluated: 2023-07-29. Review status: criteria provided, single submitter. Criteria: Invitae Variant Classification Sherloc (09022015). Collection method: clinical testing. Allele origin: germline.
Comment: Advanced modeling of protein sequence and biophysical properties (such as structural, functional, and spatial information, amino acid conservation, physicochemical variation, residue mobility, and thermodynamic stability) performed at Invitae indicates that this missense variant is not expected to disrupt SCN9A protein function. This sequence change replaces isoleucine, which is neutral and non-polar, with valine, which is neutral and non-polar, at codon 1678 of the SCN9A protein (p.Ile1678Val). This variant is not present in population databases (gnomAD no frequency). This variant has not been reported in the literature in individuals affected with SCN9A-related conditions. In summary, the available evidence is currently insufficient to determine the role of this variant in disease. Therefore, it has been classified as a Variant of Uncertain Significance.